The following is an entry in ClinVar:

NM_144639.3(UROC1):c.708C>T (p.Ile236=)

Gene: UROC1 (urocanate hydratase 1; minus strand). Cytogenetic location: 3q21.3.
Variant type: single nucleotide variant.
Coding change: c.708C>T on transcript NM_144639.3 (MANE Select); coding-DNA position 708, C replaced by T.
Protein change: p.Ile236=; no amino-acid change (isoleucine 236 retained).
Molecular consequence: synonymous variant.
Genome position (GRCh38, 1-based): chr3:126,505,806, G>A on the plus strand (C>T on the coding strand, the complement: UROC1 is on the minus strand). VCF-style: chr3-126505806-G-A. GRCh37 (hg19) VCF-style: chr3-126224649-G-A.
Other names: c.708C>T, p.Ile236= (NM_001165974.2).
Identifiers: ClinVar variation 3351589 (VCV003351589.1).

ClinVar aggregate classification (germline): Likely benign (0 of 4 stars; one submission).

Conditions:
UROC1-related disorder. Also called: UROC1-related condition.

gnomAD v4.1: 127 of 1,613,748 alleles (0.0079%); highest among the groups gnomAD compares: Admixed American, 0.02%; no homozygotes.

Submission:

PreventionGenetics, part of Exact Sciences
Classification: Likely benign for UROC1-related condition. Last evaluated: 2019-06-25. Review status: no assertion criteria provided. Collection method: clinical testing. Allele origin: germline.
Comment: This variant is classified as likely benign based on ACMG/AMP sequence variant interpretation guidelines (Richards et al. 2015 PMID: 25741868, with internal and published modifications).